The following is an entry in ClinVar:

NM_004924.6(ACTN4):c.1469A>G (p.Asn490Ser)

Gene: ACTN4 (actinin alpha 4; plus strand). Cytogenetic location: 19q13.2.
Variant type: single nucleotide variant.
Coding change: c.1469A>G on transcript NM_004924.6 (MANE Select); coding-DNA position 1469, A replaced by G.
Protein change: p.Asn490Ser; replaces asparagine 490 with serine.
Molecular consequence: missense variant.
Genome position (GRCh38, 1-based): chr19:38,723,640, A>G. VCF-style: chr19-38723640-A-G. GRCh37 (hg19) VCF-style: chr19-39214280-A-G.
Other names: c.1469A>G (NM_004924.4, NM_004924.5); c.1469A>G, p.Asn490Ser (NM_001322033.2, NM_001411143.1); short protein forms N490S.
Identifiers: ClinVar variation 2729273 (VCV002729273.5), dbSNP rs556555602, ClinGen allele CA9417682.

ClinVar aggregate classification (germline): Uncertain significance. Review status: criteria provided, multiple submitters, no conflicts (2 of 4 stars). 3 submissions from 3 submitters: Uncertain significance (3). Last evaluated 2025-08-24.

Conditions:
Inborn genetic diseases. Identifiers: MedGen C0950123, MeSH D030342.
Focal segmental glomerulosclerosis (FSGS). Also called: Glomerulosclerosis, focal; Focal sclerosis with hyalinosis. Identifiers: MedGen C0017668, MONDO:0100313, HP:0000097. Disease mechanism: loss of function.

Allele frequency attached by ClinVar (database versions not stated): gnomAD exomes 0.00001; ExAC 0.00004; gnomAD 0.00005; TOPMed 0.00005; 1000 Genomes Project 0.00040; 1000 Genomes Project 30x 0.00062.
gnomAD v4.1: 26 of 1,613,276 alleles (0.0016%); highest among the groups gnomAD compares: African/African-American, 0.0053%; no homozygotes.

Submissions (3):

Ambry Genetics
Classification: Uncertain significance for Inborn genetic diseases. Last evaluated: 2025-08-24. Review status: criteria provided, single submitter. Criteria: Ambry Variant Classification Scheme 2023. Collection method: clinical testing. Allele origin: germline.

Molecular Genetics McLendon Clinical Laboratories, University of North Carolina at Chapel Hill
Classification: Uncertain significance for Focal segmental glomerulosclerosis. Last evaluated: 2024-05-31. Review status: criteria provided, single submitter. Criteria: ACMG Guidelines, 2015. Collection method: clinical testing. Allele origin: germline.

Labcorp Genetics (formerly Invitae), Labcorp
Classification: Uncertain significance. Last evaluated: 2023-01-15. Review status: criteria provided, single submitter. Criteria: Invitae Variant Classification Sherloc (09022015). Collection method: clinical testing. Allele origin: germline.
Comment: This sequence change replaces asparagine, which is neutral and polar, with serine, which is neutral and polar, at codon 490 of the ACTN4 protein (p.Asn490Ser). This variant is present in population databases (rs556555602, gnomAD 0.006%). This variant has not been reported in the literature in individuals affected with ACTN4-related conditions. Advanced modeling of protein sequence and biophysical properties (such as structural, functional, and spatial information, amino acid conservation, physicochemical variation, residue mobility, and thermodynamic stability) performed at Invitae indicates that this missense variant is not expected to disrupt ACTN4 protein function. Algorithms developed to predict the effect of sequence changes on RNA splicing suggest that this variant may create or strengthen a splice site. In summary, the available evidence is currently insufficient to determine the role of this variant in disease. Therefore, it has been classified as a Variant of Uncertain Significance.